The following is an entry in ClinVar:

NM_031885.5(BBS2):c.1411G>A (p.Val471Ile)

Gene: BBS2 (Bardet-Biedl syndrome 2; minus strand). Cytogenetic location: 16q13.
Variant type: single nucleotide variant.
Coding change: c.1411G>A on transcript NM_031885.5 (MANE Select); coding-DNA position 1411, G replaced by A.
Protein change: p.Val471Ile; replaces valine 471 with isoleucine.
Molecular consequence: missense variant. On other transcripts: non-coding transcript variant (5).
Genome position (GRCh38, 1-based): chr16:56,499,894, C>T on the plus strand (G>A on the coding strand, the complement: BBS2 is on the minus strand). VCF-style: chr16-56499894-C-T. GRCh37 (hg19) VCF-style: chr16-56533806-C-T.
Other names: c.1411G>A, p.Val471Ile (NM_001377456.1); short protein forms V471I.
Identifiers: ClinVar variation 4988277 (VCV004988277.1).

ClinVar aggregate classification (germline): Uncertain significance (1 of 4 stars; one submission).

Conditions:
BBS2-related disorder. Also called: BBS2-related disorders; BBS2-related condition. Identifiers: MedGen CN239228.

gnomAD v4.1: 2 of 1,614,104 alleles (0.00012%); highest among the groups gnomAD compares: Non-Finnish European, 0.00017%; no homozygotes.

Submission:

PreventionGenetics, part of Exact Sciences
Classification: Uncertain significance for BBS2-related condition. Last evaluated: 2025-08-12. Review status: criteria provided, single submitter. Criteria: ACMG Guidelines, 2015. Collection method: clinical testing. Allele origin: germline.
Comment: The BBS2 c.1411G>A variant is predicted to result in the amino acid substitution p.Val471Ile. To our knowledge, this variant has not been reported in the literature. This variant is reported in 0.00088% of alleles in individuals of European (Non-Finnish) descent in gnomAD. At this time, the clinical significance of this variant is uncertain due to the absence of conclusive functional and genetic evidence.